The following is an entry in ClinVar:

NM_000053.4(ATP7B):c.1396C>A (p.Leu466Ile)

Gene: ATP7B (ATPase copper transporting beta; minus strand). Cytogenetic location: 13q14.3.
Variant type: single nucleotide variant.
Coding change: c.1396C>A on transcript NM_000053.4 (MANE Select); coding-DNA position 1396, C replaced by A.
Protein change: p.Leu466Ile; replaces leucine 466 with isoleucine.
Molecular consequence: missense variant. On other transcripts: intron variant (1).
Genome position (GRCh38, 1-based): chr13:51,970,639, G>T on the plus strand (C>A on the coding strand, the complement: ATP7B is on the minus strand). VCF-style: chr13-51970639-G-T. GRCh37 (hg19) VCF-style: chr13-52544775-G-T.
Other names: c.1063C>A, p.Leu355Ile (NM_001243182.2); c.1396C>A, p.Leu466Ile (NM_001330578.2, NM_001330579.2, NM_001406511.1 and 28 more transcripts); c.1300C>A, p.Leu434Ile (NM_001406517.1, NM_001406530.1, NM_001406536.1 and 3 more transcripts); c.1285+3296C>A (NM_001406548.1); c.967C>A, p.Leu323Ile (NM_001406539.1); short protein forms L323I, L355I, L434I, L466I.
Identifiers: ClinVar variation 3385651 (VCV003385651.1).
Genomic context (GRCh38, chr13:51,970,639, plus strand): 5'-CCACTGCTCTGGTTGATTGTGGGGACTTTGCCAAGATGTCCGGGGCATGGTTTGCAGGGA[G>T]CCTCCCAGTGTGGGGAGCCACTTCCTGCACAGATGTAGGTGTACCATCTGTAGTTTGCAC-3'
Protein context (NP_000044.2, residues 456-476): VQEVAPHTGR[Leu466Ile]PANHAPDILA

ClinVar aggregate classification (germline): Uncertain significance (1 of 4 stars; one submission).

Conditions:
Wilson disease (WND). Also called: Wilson's disease. Identifiers: Orphanet 905, MedGen C0019202, MONDO:0010200, OMIM 277900. Disease mechanism: loss of function.

Submission:

All of Us Research Program, National Institutes of Health
Classification: Uncertain significance for Wilson disease. Last evaluated: 2024-05-30. Review status: criteria provided, single submitter. Criteria: ACMG Guidelines, 2015. Collection method: clinical testing. Allele origin: germline. Inheritance: Autosomal recessive inheritance. Observed: 1 variant allele, 1 heterozygote.
Comment: This missense variant replaces leucine with isoleucine at codon 466 of the ATP7B protein. Computational prediction suggests that this variant may not impact protein structure and function (internally defined REVEL score threshold <= 0.5, PMID: 27666373). To our knowledge, functional studies have not been reported for this variant. This variant has not been reported in individuals affected with ATP7B-related disorders in the literature. This variant has not been identified in the general population by the Genome Aggregation Database (gnomAD). The available evidence is insufficient to determine the role of this variant in disease conclusively. Therefore, this variant is classified as a Variant of Uncertain Significance.

This study involves interpretation of variants in research participants for the purpose of population health screening. Participant phenotype was not available at the time of variant classification. Additional details can be found in publication PMID: 35346344, PMCID: PMC8962531